The following is an entry in ClinVar:

ClinVar aggregate classification (germline): Uncertain significance. Review status: criteria provided, multiple submitters, no conflicts (2 of 4 stars). 2 submissions from 2 submitters: Uncertain significance (2). Last evaluated 2025-08-21.

Conditions:
Multiple endocrine neoplasia type 4. Also called: MULTIPLE ENDOCRINE NEOPLASIA, TYPE IV. Identifiers: Orphanet 276152, MedGen C1970712, MONDO:0012552, OMIM 610755.
Hereditary cancer-predisposing syndrome. Also called: Neoplastic Syndromes, Hereditary; Tumor predisposition; Hereditary Cancer Syndrome; Hereditary neoplastic syndrome. Identifiers: Orphanet 140162, MedGen C0027672, MeSH D009386, MONDO:0015356.

Submissions (2):

Labcorp Genetics (formerly Invitae), Labcorp
Classification: Uncertain significance for Multiple endocrine neoplasia type 4. Last evaluated: 2025-08-21. Review status: criteria provided, single submitter. Criteria: Invitae Variant Classification Sherloc (09022015). Collection method: clinical testing. Allele origin: germline.
Comment: This variant, c.252_253delinsCT, is a complex sequence change that results in the deletion of 2 and insertion of 2 amino acid(s) in the CDKN1B protein (p.Leu84_Pro85delinsPheSer). Information on the frequency of this variant in the gnomAD database is not available, as this variant may be reported differently in the database. This variant has not been reported in the literature in individuals affected with CDKN1B-related conditions. ClinVar contains an entry for this variant (Variation ID: 536842). Experimental studies and prediction algorithms are not available or were not evaluated, and the functional significance of this variant is currently unknown. In summary, the available evidence is currently insufficient to determine the role of this variant in disease. Therefore, it has been classified as a Variant of Uncertain Significance.

Ambry Genetics
Classification: Uncertain significance for Hereditary cancer-predisposing syndrome. Last evaluated: 2024-04-17. Review status: criteria provided, single submitter. Criteria: Ambry Variant Classification Scheme 2023. Collection method: clinical testing. Allele origin: germline.
Comment: The c.252_253delGCinsCT variant (also known as p.L84_P85delinsFS), located in coding exon 1 of the CDKN1B gene, results from an in-frame deletion of GC and insertion of CT at nucleotide positions 252 to 253. This results in the deletion of 2 amino acids (LP) and the insertion of 2 new amino acids (FS) at codons 84 to 85. These nucleotide and amino acid positions are well conserved in available vertebrate species. Since supporting evidence is limited at this time, the clinical significance of this alteration remains unclear.

NM_004064.5(CDKN1B):c.252_253delinsCT (p.Leu84_Pro85delinsPheSer)

Gene: CDKN1B (cyclin dependent kinase inhibitor 1B; plus strand). Cytogenetic location: 12p13.1.
Variant type: Indel.
Coding change: c.252_253delinsCT on transcript NM_004064.5 (MANE Select); coding-DNA positions 252 to 253, GC replaced by CT.
Protein change: p.Leu84_Pro85delinsPheSer.
Molecular consequence: missense variant.
Genome position (GRCh38, 1-based): chr12:12,718,091-12,718,092, GC replaced by CT. VCF-style: chr12-12718091-GC-CT. GRCh37 (hg19) VCF-style: chr12-12871025-GC-CT.
Other names: c.252_253delGCinsCT (NM_004064.4, NM_004064.3).
Identifiers: ClinVar variation 536842 (VCV000536842.9), dbSNP rs1555085568, ClinGen allele CA658797847.